The following is an entry in ClinVar:

ClinVar aggregate classification (germline): Uncertain significance. Review status: criteria provided, multiple submitters, no conflicts (2 of 4 stars). 2 submissions from 2 submitters: Uncertain significance (2). Last evaluated 2025-10-02.

Conditions:
Epilepsy, familial adult myoclonic, 5 (EPEO5). Also called: CORTICAL MYOCLONIC TREMOR WITH EPILEPSY, FAMILIAL, 5. Identifiers: Orphanet 86814, MedGen C3809374, MONDO:0014167, OMIM 615400.

Allele frequency attached by ClinVar (database versions not stated): gnomAD exomes 0.00004; gnomAD 0.00006 and 0.00007; TOPMed 0.00006; ExAC 0.00003; ESP Exome Variant Server 0.00015.
gnomAD v4.1: 70 of 1,613,934 alleles (0.0043%); highest among the groups gnomAD compares: Non-Finnish European, 0.0054%; no homozygotes.

Submissions (2):

Ambry Genetics
Classification: Uncertain significance. Last evaluated: 2025-10-02. Review status: criteria provided, single submitter. Criteria: Ambry Variant Classification Scheme 2023. Collection method: clinical testing. Allele origin: germline.

Labcorp Genetics (formerly Invitae), Labcorp
Classification: Uncertain significance for Epilepsy, familial adult myoclonic, 5. Last evaluated: 2022-06-05. Review status: criteria provided, single submitter. Criteria: Invitae Variant Classification Sherloc (09022015). Collection method: clinical testing. Allele origin: germline.
Comment: This sequence change replaces aspartic acid, which is acidic and polar, with glycine, which is neutral and non-polar, at codon 552 of the CNTN2 protein (p.Asp552Gly). This variant is present in population databases (rs375531151, gnomAD 0.008%). This variant has not been reported in the literature in individuals affected with CNTN2-related conditions. ClinVar contains an entry for this variant (Variation ID: 1355060). Advanced modeling of protein sequence and biophysical properties (such as structural, functional, and spatial information, amino acid conservation, physicochemical variation, residue mobility, and thermodynamic stability) performed at Invitae indicates that this missense variant is not expected to disrupt CNTN2 protein function. In summary, the available evidence is currently insufficient to determine the role of this variant in disease. Therefore, it has been classified as a Variant of Uncertain Significance.

NM_005076.5(CNTN2):c.1655A>G (p.Asp552Gly)

Gene: CNTN2 (contactin 2; plus strand). Cytogenetic location: 1q32.1.
Variant type: single nucleotide variant.
Coding change: c.1655A>G on transcript NM_005076.5 (MANE Select); coding-DNA position 1655, A replaced by G.
Protein change: p.Asp552Gly; replaces aspartic acid 552 with glycine.
Molecular consequence: missense variant. On other transcripts: non-coding transcript variant (1).
Genome position (GRCh38, 1-based): chr1:205,065,222, A>G. VCF-style: chr1-205065222-A-G. GRCh37 (hg19) VCF-style: chr1-205034350-A-G.
Other names: c.1655A>G (NM_005076.3); c.1655A>G, p.Asp552Gly (NM_001346083.2); short protein forms D552G.
Identifiers: ClinVar variation 1355060 (VCV001355060.5), dbSNP rs375531151, ClinGen allele CA1351434.
Genomic context (GRCh38, chr1:205,065,222, plus strand): 5'-CCTCCCACGACCCCACCATGGACCTCACCTTCACCTGGACCCTGGACGACTTCCCCATCG[A>G]CTTTGATAAGCCTGGAGGGCACTACCGGAGAACTAATGTGGTGAGACCTAGGGCCAGAGC-3'
Protein context (NP_005067.1, residues 542-562): FTWTLDDFPI[Asp552Gly]FDKPGGHYRR